The following is an entry in ClinVar:

NM_001379110.1(SLC9A6):c.1849G>A (p.Val617Met)

Gene: SLC9A6 (solute carrier family 9 member A6; plus strand). Cytogenetic location: Xq26.3.
Variant type: single nucleotide variant.
Coding change: c.1849G>A on transcript NM_001379110.1 (MANE Select); coding-DNA position 1849, G replaced by A.
Protein change: p.Val617Met; replaces valine 617 with methionine.
Molecular consequence: missense variant.
Genome position (GRCh38, 1-based): chrX:136,044,533, G>A. VCF-style: chrX-136044533-G-A. GRCh37 (hg19) VCF-style: chrX-135126692-G-A.
Other names: c.1915G>A, p.Val639Met (NM_001042537.2); c.1759G>A, p.Val587Met (NM_001177651.2); c.1663G>A, p.Val555Met (NM_001330652.2); c.1819G>A, p.Val607Met (NM_006359.3); short protein forms V555M, V587M, V607M, V617M, V639M.
Identifiers: ClinVar variation 1313694 (VCV001313694.2), dbSNP rs2148216878, ClinGen allele CA414756847.
Genomic context (GRCh38, chrX:136,044,533, plus strand): 5'-GATGATTCTGATCTTATTCTCAATGATGGTGACATCAGTTTGACATATGGAGATTCTACT[G>A]TGAACACTGAACCGGCCACATCCAGCGCCCCAAGGAGATTTATGGGAAACAGTTCTGAAG-3'
Protein context (NP_001366039.1, residues 607-627): DISLTYGDST[Val617Met]NTEPATSSAP

ClinVar aggregate classification (germline): Uncertain significance (1 of 4 stars; one submission).

gnomAD v4.1: 1 of 1,209,598 alleles (0.000083%); highest among the groups gnomAD compares: South Asian, 0.0018%; no homozygotes.

Submission:

GeneDx
Classification: Uncertain significance. Last evaluated: 2020-12-02. Review status: criteria provided, single submitter. Criteria: GeneDx Variant Classification Process June 2021. Collection method: clinical testing. Allele origin: germline. Affected: yes.
Comment: Not observed in large population cohorts (Lek et al., 2016); In silico analysis supports that this missense variant does not alter protein structure/function; Has not been previously published as pathogenic or benign to our knowledge